The following is an entry in ClinVar:

NM_000059.4(BRCA2):c.5348A>T (p.Lys1783Ile)

Gene: BRCA2 (BRCA2 DNA repair associated; plus strand). Cytogenetic location: 13q13.1.
Variant type: single nucleotide variant.
Coding change: c.5348A>T on transcript NM_000059.4 (MANE Select); coding-DNA position 5348, A replaced by T.
Protein change: p.Lys1783Ile; replaces lysine 1783 with isoleucine.
Molecular consequence: missense variant.
Genome position (GRCh38, 1-based): chr13:32,339,703, A>T. VCF-style: chr13-32339703-A-T. GRCh37 (hg19) VCF-style: chr13-32913840-A-T.
Other names: short protein forms K1783I.
Identifiers: ClinVar variation 1373980 (VCV001373980.9), dbSNP rs2137516609, ClinGen allele CA387785026.

ClinVar aggregate classification (germline): Conflicting classifications of pathogenicity. Review status: criteria provided, conflicting classifications (1 of 4 stars). 2 submissions from 2 submitters: Uncertain significance (1); Likely benign (1). Last evaluated 2023-03-23.

Conditions:
Hereditary cancer-predisposing syndrome. Also called: Neoplastic Syndromes, Hereditary; Tumor predisposition; Hereditary neoplastic syndrome; Hereditary Cancer Syndrome. Identifiers: Orphanet 140162, MedGen C0027672, MeSH D009386, MONDO:0015356.
Hereditary breast ovarian cancer syndrome. Also called: BRCA1- and BRCA2-Associated Hereditary Breast and Ovarian Cancer; Hereditary breast and ovarian cancer; Hereditary breast and ovarian cancer syndrome; Hereditary breast and/or ovarian cancer syndrome; Hereditary breast and ovarian cancer syndrome (HBOC); Breast and ovarian cancer. Identifiers: Orphanet 145, MedGen C0677776, MeSH D061325, MONDO:0003582. Disease mechanism: loss of function.

Submissions (2):

University of Washington Department of Laboratory Medicine, University of Washington
Classification: Likely benign for Hereditary cancer-predisposing syndrome. Last evaluated: 2023-03-23. Review status: criteria provided, single submitter. Criteria: Dines et al. (Genet Med. 2020). Collection method: curation. Allele origin: germline.
Comment: Missense variant in a coldspot region where missense variants are very unlikely to be pathogenic (PMID:31911673).

BRCA2 exon 11 coldspot. Reclassification based on statistical prior probability.

Labcorp Genetics (formerly Invitae), Labcorp
Classification: Uncertain significance for Hereditary breast ovarian cancer syndrome. Last evaluated: 2021-02-18. Review status: criteria provided, single submitter. Criteria: Invitae Variant Classification Sherloc (09022015). Collection method: clinical testing. Allele origin: germline.
Comment: In summary, the available evidence is currently insufficient to determine the role of this variant in disease. Therefore, it has been classified as a Variant of Uncertain Significance. Advanced modeling of protein sequence and biophysical properties (such as structural, functional, and spatial information, amino acid conservation, physicochemical variation, residue mobility, and thermodynamic stability) performed at Invitae indicates that this missense variant is not expected to disrupt BRCA2 protein function. This variant has not been reported in the literature in individuals with BRCA2-related conditions. This variant is not present in population databases (ExAC no frequency). This sequence change replaces lysine with isoleucine at codon 1783 of the BRCA2 protein (p.Lys1783Ile). The lysine residue is weakly conserved and there is a moderate physicochemical difference between lysine and isoleucine.